The following is an entry in ClinVar:

NM_005359.6(SMAD4):c.1396G>T (p.Ala466Ser)

Gene: SMAD4 (SMAD family member 4; plus strand). Cytogenetic location: 18q21.2.
Variant type: single nucleotide variant.
Coding change: c.1396G>T on transcript NM_005359.6 (MANE Select); coding-DNA position 1396, G replaced by T.
Protein change: p.Ala466Ser; replaces alanine 466 with serine.
Molecular consequence: missense variant.
Genome position (GRCh38, 1-based): chr18:51,076,725, G>T. VCF-style: chr18-51076725-G-T. GRCh37 (hg19) VCF-style: chr18-48603095-G-T.
Other names: c.1396G>T, p.Ala466Ser (NM_001407041.1, NM_001407042.1); short protein forms A466S.
Identifiers: ClinVar variation 1771652 (VCV001771652.2), dbSNP rs2144474300, ClinGen allele CA402465292.

ClinVar aggregate classification (germline): Uncertain significance (1 of 4 stars; one submission).

Conditions:
Familial thoracic aortic aneurysm and aortic dissection (TAAD). Also called: Thoracic aortic aneurysms and dissections. Identifiers: Orphanet 91387, MedGen C4707243, MONDO:0019625.
Hereditary cancer-predisposing syndrome. Also called: Hereditary Cancer Syndrome; Hereditary neoplastic syndrome; Neoplastic Syndromes, Hereditary; Tumor predisposition. Identifiers: Orphanet 140162, MedGen C0027672, MeSH D009386, MONDO:0015356.

Submission:

Ambry Genetics
Classification: Uncertain significance for Hereditary cancer-predisposing syndrome; Familial thoracic aortic aneurysm and aortic dissection. Last evaluated: 2021-04-15. Review status: criteria provided, single submitter. Criteria: Ambry Variant Classification Scheme 2023. Collection method: clinical testing. Allele origin: germline.
Comment: The p.A466S variant (also known as c.1396G>T), located in coding exon 10 of the SMAD4 gene, results from a G to T substitution at nucleotide position 1396. The alanine at codon 466 is replaced by serine, an amino acid with similar properties. This amino acid position is highly conserved in available vertebrate species. In addition, the in silico prediction for this alteration is inconclusive. Since supporting evidence is limited at this time, the clinical significance of this alteration remains unclear.